The following is an entry in ClinVar:

NM_005458.8(GABBR2):c.215G>A (p.Ser72Asn)

Gene: GABBR2 (gamma-aminobutyric acid type B receptor subunit 2; minus strand). Cytogenetic location: 9q22.33.
Variant type: single nucleotide variant.
Coding change: c.215G>A on transcript NM_005458.8 (MANE Select); coding-DNA position 215, G replaced by A.
Protein change: p.Ser72Asn; replaces serine 72 with asparagine.
Molecular consequence: missense variant.
Genome position (GRCh38, 1-based): chr9:98,708,523, C>T on the plus strand (G>A on the coding strand, the complement: GABBR2 is on the minus strand). VCF-style: chr9-98708523-C-T. GRCh37 (hg19) VCF-style: chr9-101470805-C-T.
Other names: short protein forms S72N.
Identifiers: ClinVar variation 1305712 (VCV001305712.3), dbSNP rs1431508126, ClinGen allele CA374212599.

ClinVar aggregate classification (germline): Uncertain significance. Review status: criteria provided, multiple submitters, no conflicts (2 of 4 stars). 2 submissions from 2 submitters: Uncertain significance (2). Last evaluated 2024-09-03.

Conditions:
Inborn genetic diseases. Identifiers: MedGen C0950123, MeSH D030342.

Allele frequency attached by ClinVar (database versions not stated): gnomAD exomes below 0.00001; TOPMed below 0.00001.
gnomAD v4.1: 1 of 1,598,092 alleles (0.000063%); highest among the groups gnomAD compares: Non-Finnish European, 0.000085%; no homozygotes.

Submissions (2):

Ambry Genetics
Classification: Uncertain significance for Inborn genetic diseases. Last evaluated: 2024-09-03. Review status: criteria provided, single submitter. Criteria: Ambry Variant Classification Scheme 2023. Collection method: clinical testing. Allele origin: germline.

GeneDx
Classification: Uncertain significance. Last evaluated: 2019-05-03. Review status: criteria provided, single submitter. Criteria: GeneDx Variant Classification Process June 2021. Collection method: clinical testing. Allele origin: germline. Affected: yes.
Comment: Not observed in large population cohorts (Lek et al., 2016); In silico analysis, which includes protein predictors and evolutionary conservation, supports that this variant does not alter protein structure/function; Has not been previously published as pathogenic or benign to our knowledge